The following is an entry in ClinVar:

NM_006231.4(POLE):c.2331_2332del (p.Lys778fs)

Gene: POLE (DNA polymerase epsilon, catalytic subunit; minus strand). Cytogenetic location: 12q24.33.
Variant type: Deletion.
Coding change: c.2331_2332del on transcript NM_006231.4 (MANE Select); coding-DNA positions 2331 to 2332, 2 bases deleted (GA; older notation c.2331_2332delGA).
Protein change: p.Lys778fs; shifts the reading frame from lysine 778.
Molecular consequence: frameshift variant.
Genome position (GRCh38, 1-based): chr12:132,665,438-132,665,439, TC deleted on the plus strand (GA on the coding strand, the reverse complement: POLE is on the minus strand); deleting any 2 consecutive bases within chr12:132,665,438-132,665,440 gives the same sequence; the c. name uses the placement nearest the transcript's 3' end. VCF-style (leftmost placement, unchanged base first): chr12-132665437-TTC-T. GRCh37 (hg19) VCF-style: chr12-133242023-TTC-T.
Other names: c.2331_2332delGA (NM_006231.2); short protein forms K778fs.
Identifiers: ClinVar variation 856449 (VCV000856449.10), dbSNP rs773589185, ClinGen allele CA6893586.
Genomic context (GRCh38, chr12:132,665,437, plus strand): 5'-TCCATGTTCTTGCAGCGCTTCACCTCAGCCGCGTCGCCCACCTCCACGGCCGCCGAGAGC[TTC>T]TTTTTCCACACCTGAGAAGCACATGAACATGGAGCACCTCACAGATTCTTCCATTTCACA-3'

ClinVar aggregate classification (germline): Conflicting classifications of pathogenicity. Review status: criteria provided, conflicting classifications (1 of 4 stars). 2 submissions from 2 submitters: Pathogenic (1); Uncertain significance (1). Last evaluated 2025-04-10.

Conditions:
Hereditary cancer-predisposing syndrome. Also called: Tumor predisposition; Hereditary neoplastic syndrome; Neoplastic Syndromes, Hereditary; Hereditary Cancer Syndrome. Identifiers: Orphanet 140162, MedGen C0027672, MeSH D009386, MONDO:0015356.

Submissions (2):

Ambry Genetics
Classification: Uncertain significance for Hereditary cancer-predisposing syndrome. Last evaluated: 2025-04-10. Review status: criteria provided, single submitter. Criteria: Ambry Variant Classification Scheme 2023. Collection method: clinical testing. Allele origin: germline.
Comment: The c.2331_2332delGA variant, located in coding exon 21 of the POLE gene, results from a deletion of two nucleotides at nucleotide positions 2331 to 2332, causing a translational frameshift with a predicted alternate stop codon (p.K778Afs*12). This alteration is expected to result in loss of function by premature protein truncation or nonsense-mediated mRNA decay. Although biallelic loss of function of POLE has been associated with autosomal recessive POLE deficiency, haploinsufficiency of POLE has not been established as a mechanism of disease for POLE-related polymerase proofreading-associated polyposis (PPAP) and POLE-related CMMRD-like syndrome. Based on the supporting evidence, this variant is expected to be causative of POLE deficiency when present along with a second pathogenic variant on the other allele; however, its clinical significance for PPAP and POLE-related CMMRD-like syndrome is unclear.

Labcorp Genetics (formerly Invitae), Labcorp
Classification: Pathogenic. Last evaluated: 2025-01-29. Review status: criteria provided, single submitter. Criteria: Invitae Variant Classification Sherloc (09022015). Collection method: clinical testing. Allele origin: germline.
Comment: This sequence change creates a premature translational stop signal (p.Lys778Alafs*12) in the POLE gene. It is expected to result in an absent or disrupted protein product. Loss-of-function variants in POLE are known to be pathogenic (PMID: 23230001, 25948378, 30503519). This variant is present in population databases (rs773589185, gnomAD 0.006%). This variant has not been reported in the literature in individuals affected with POLE-related conditions. ClinVar contains an entry for this variant (Variation ID: 856449). For these reasons, this variant has been classified as Pathogenic.

Literature cited by the submitters: PubMed 23230001 (cited by Labcorp Genetics (formerly Invitae), Labcorp); PubMed 25948378 (cited by Labcorp Genetics (formerly Invitae), Labcorp); PubMed 30503519 (cited by Labcorp Genetics (formerly Invitae), Labcorp).